The following is an entry in ClinVar:

ClinVar aggregate classification (germline): Uncertain significance (1 of 4 stars; one submission).

Conditions:
Dilated cardiomyopathy 1NN. Identifiers: Orphanet 154, MedGen C4014656, MONDO:0014396, OMIM 615916.
Noonan syndrome 5 (NS5). Also called: RAF1-Related Noonan Syndrome. Identifiers: Orphanet 648, MedGen C1969057, MONDO:0012690, OMIM 611553. Disease mechanism: gain of function.
LEOPARD syndrome 2 (LPRD2). Also called: RAF1-Related LEOPARD Syndrome. Identifiers: Orphanet 500, MedGen C1969056, MONDO:0012691, OMIM 611554.

gnomAD v4.1: 5 of 1,614,000 alleles (0.00031%); no homozygotes.

Submission:

Juno Genomics, Hangzhou Juno Genomics, Inc
Classification: Uncertain significance for Dilated cardiomyopathy 1NN; LEOPARD syndrome 2; Noonan syndrome 5. Review status: criteria provided, single submitter. Criteria: ACMG Guidelines, 2015. Collection method: clinical testing. Allele origin: germline.
Comment: Multiple lines of computational evidence support a deleterious effect on the gene or gene product.

NM_002880.4(RAF1):c.1586C>T (p.Ser529Leu)

Gene: RAF1 (Raf-1 proto-oncogene, serine/threonine kinase; minus strand). Cytogenetic location: 3p25.2.
Variant type: single nucleotide variant.
Coding change: c.1586C>T on transcript NM_002880.4 (MANE Select); coding-DNA position 1586, C replaced by T.
Protein change: p.Ser529Leu; replaces serine 529 with leucine.
Molecular consequence: missense variant. On other transcripts: non-coding transcript variant (3).
Genome position (GRCh38, 1-based): chr3:12,585,204, G>A on the plus strand (C>T on the coding strand, the complement: RAF1 is on the minus strand). VCF-style: chr3-12585204-G-A. GRCh37 (hg19) VCF-style: chr3-12626703-G-A.
Other names: c.1646C>T, p.Ser549Leu (NM_001354689.3); c.1586C>T, p.Ser529Leu (NM_001354690.3); c.1343C>T, p.Ser448Leu (NM_001354691.3, NM_001354692.3); c.1487C>T, p.Ser496Leu (NM_001354693.3); c.1403C>T, p.Ser468Leu (NM_001354694.3); c.1244C>T, p.Ser415Leu (NM_001354695.3); short protein forms S415L, S448L, S468L, S496L, S529L, S549L.
Identifiers: ClinVar variation 5019185 (VCV005019185.2).